The following is an entry in ClinVar:

ClinVar aggregate classification (germline): Likely benign (1 of 4 stars; one submission).

Allele frequency attached by ClinVar (database versions not stated): 1000 Genomes Project 30x 0.01733; gnomAD 0.01133 and 0.01192; TOPMed 0.01308; 1000 Genomes Project 0.01558.
gnomAD v4.1: 1,706 of 152,158 alleles (1.1%); highest among the groups gnomAD compares: African/African-American, 3.7%; 45 homozygotes.

Submission:

GeneDx
Classification: Likely benign. Last evaluated: 2018-06-14. Review status: criteria provided, single submitter. Criteria: GeneDx Variant Classification (06012015). Collection method: clinical testing. Allele origin: germline. Affected: yes.
Comment: This variant is considered likely benign or benign based on one or more of the following criteria: it is a conservative change, it occurs at a poorly conserved position in the protein, it is predicted to be benign by multiple in silico algorithms, and/or has population frequency not consistent with disease.

NM_001083962.2(TCF4):c.500-232A>G

Gene: TCF4 (transcription factor 4; minus strand). Cytogenetic location: 18q21.2.
Variant type: single nucleotide variant.
Coding change: c.500-232A>G on transcript NM_001083962.2 (MANE Select); 232 bases into the intron before coding-DNA position 500, A replaced by G.
Molecular consequence: intron variant.
Genome position (GRCh38, 1-based): chr18:55,350,640, T>C on the plus strand (A>G on the coding strand, the complement: TCF4 is on the minus strand). VCF-style: chr18-55350640-T-C. GRCh37 (hg19) VCF-style: chr18-53017871-T-C.
Other names: c.806-232A>G (NM_001243226.3); c.425-232A>G (NM_001369584.1, NM_001369576.1, NM_001369585.1 and 3 more transcripts); c.428-232A>G (NM_001369577.1, NM_001369582.1, NM_001243227.2 and 9 more transcripts); c.500-232A>G (NM_001369571.1, NM_001369567.1, NM_001243228.2 and 5 more transcripts); c.494-232A>G (NM_001243230.2); c.497-232A>G (NM_001369569.1, NM_001369573.1, NM_001369570.1); c.374-232A>G (NM_001243231.2, NM_001348211.2); c.110-232A>G (NM_001348212.2, NM_001348213.2, NM_001243233.2 and 1 more transcripts); and 1 more.
Identifiers: ClinVar variation 677441 (VCV000677441.1), dbSNP rs75329899, ClinGen allele CA301134135.
Genomic context (GRCh38, chr18:55,350,640, plus strand): 5'-CATAAAAATGAAGATATTTAACTTTTTGCTACTTTGATCTTTTAATAGCTTCCTTATGGG[T>C]GCAGCTAAGAGAAAACTAGACATAAGCAGACACCAAAAAAGTTCTGCTACCATAAGCTGT-3'